The following is an entry in ClinVar:

NM_206933.4(USH2A):c.5480G>C (p.Gly1827Ala)

Genes: USH2A (usherin; minus strand), USH2A-AS2 (USH2A antisense RNA 2; plus strand). Cytogenetic location: 1q41.
Variant type: single nucleotide variant.
Coding change: c.5480G>C on transcript NM_206933.4 (MANE Select); coding-DNA position 5480, G replaced by C.
Protein change: p.Gly1827Ala; replaces glycine 1827 with alanine.
Molecular consequence: missense variant.
Genome position (GRCh38, 1-based): chr1:216,078,181, C>G on the plus strand (G>C on the coding strand, the complement: USH2A is on the minus strand). VCF-style: chr1-216078181-C-G. GRCh37 (hg19) VCF-style: chr1-216251523-C-G.
Other names: short protein forms G1827A.
Identifiers: ClinVar variation 955109 (VCV000955109.9), dbSNP rs2031817738, ClinGen allele CA344856016.

ClinVar aggregate classification (germline): Uncertain significance (1 of 4 stars; one submission).

Allele frequency attached by ClinVar (database versions not stated): gnomAD 0.00001.
gnomAD v4.1: 1 of 1,613,646 alleles (0.000062%); highest among the groups gnomAD compares: Non-Finnish European, 0.000085%; no homozygotes.

Submission:

Labcorp Genetics (formerly Invitae), Labcorp
Classification: Uncertain significance. Last evaluated: 2019-09-18. Review status: criteria provided, single submitter. Criteria: Invitae Variant Classification Sherloc (09022015). Collection method: clinical testing. Allele origin: germline.
Comment: Algorithms developed to predict the effect of missense changes on protein structure and function output the following: SIFT: "Tolerated"; PolyPhen-2: "Benign"; Align-GVGD: "Class C0". The alanine amino acid residue is found in multiple mammalian species, suggesting that this missense change does not adversely affect protein function. These predictions have not been confirmed by published functional studies and their clinical significance is uncertain. In summary, the available evidence is currently insufficient to determine the role of this variant in disease. Therefore, it has been classified as a Variant of Uncertain Significance. This sequence change replaces glycine with alanine at codon 1827 of the USH2A protein (p.Gly1827Ala). The glycine residue is weakly conserved and there is a small physicochemical difference between glycine and alanine. This variant is not present in population databases (ExAC no frequency). This variant has not been reported in the literature in individuals with USH2A-related conditions.